The following is an entry in ClinVar:

ClinVar aggregate classification (germline): Uncertain significance (1 of 4 stars; one submission).

Conditions:
Joubert syndrome 21 (JBTS21). Identifiers: MedGen C3810212, MONDO:0014288, OMIM 615636.

Allele frequency attached by ClinVar (database versions not stated): gnomAD exomes below 0.00001 and 0.00002; ExAC 0.00001; TOPMed 0.00001.
gnomAD v4.1: 22 of 1,597,250 alleles (0.0014%); highest among the groups gnomAD compares: Middle Eastern, 0.017%; no homozygotes.

Submission:

Labcorp Genetics (formerly Invitae), Labcorp
Classification: Uncertain significance for Joubert syndrome 21. Last evaluated: 2025-09-02. Review status: criteria provided, single submitter. Criteria: Invitae Variant Classification Sherloc (09022015). Collection method: clinical testing. Allele origin: germline.
Comment: This sequence change replaces glycine, which is neutral and non-polar, with glutamic acid, which is acidic and polar, at codon 837 of the CSPP1 protein (p.Gly837Glu). This variant is present in population databases (rs752478502, gnomAD 0.001%). This variant has not been reported in the literature in individuals affected with CSPP1-related conditions. ClinVar contains an entry for this variant (Variation ID: 1484675). An algorithm developed to predict the effect of missense changes on protein structure and function outputs the following: PolyPhen-2: "Probably Damaging". The glutamic acid amino acid residue is found in multiple mammalian species, which suggests that this missense change does not adversely affect protein function. In summary, the available evidence is currently insufficient to determine the role of this variant in disease. Therefore, it has been classified as a Variant of Uncertain Significance.

NM_001382391.1(CSPP1):c.2525G>A (p.Gly842Glu)

Gene: CSPP1 (centrosome and spindle pole associated protein 1; plus strand). Cytogenetic location: 8q13.2.
Variant type: single nucleotide variant.
Coding change: c.2525G>A on transcript NM_001382391.1 (MANE Select); coding-DNA position 2525, G replaced by A.
Protein change: p.Gly842Glu; replaces glycine 842 with glutamic acid.
Molecular consequence: missense variant.
Genome position (GRCh38, 1-based): chr8:67,159,124, G>A. VCF-style: chr8-67159124-G-A. GRCh37 (hg19) VCF-style: chr8-68071359-G-A.
Other names: c.1475G>A, p.Gly492Glu (NM_001291339.2); c.2444G>A, p.Gly815Glu (NM_001363131.2); c.2330G>A, p.Gly777Glu (NM_001363132.2); c.2249G>A, p.Gly750Glu (NM_001363133.2); c.2591G>A, p.Gly864Glu (NM_001364869.1); c.2411G>A, p.Gly804Glu (NM_001364870.1); c.2510G>A, p.Gly837Glu (NM_024790.7); short protein forms G492E, G842E, G750E, G804E, G837E, G864E, G777E, G815E.
Identifiers: ClinVar variation 1484675 (VCV001484675.7), dbSNP rs752478502, ClinGen allele CA4770856.